The following is an entry in ClinVar:

ClinVar aggregate classification (germline): Likely benign. Review status: criteria provided, multiple submitters, no conflicts (2 of 4 stars). 2 submissions from 2 submitters: Likely benign (2). Last evaluated 2025-11-27.

Conditions:
Renal carnitine transport defect (CDSP). Also called: CARNITINE DEFICIENCY, SYSTEMIC, DUE TO DEFECT IN RENAL REABSORPTION OF CARNITINE; CARNITINE TRANSPORTER, PLASMA-MEMBRANE, DEFICIENCY OF; CARNITINE UPTAKE DEFECT; Carnitine transporter deficiency; Carnitine Deficiency, Systemic; Systemic primary carnitine deficiency. Identifiers: Orphanet 158, MedGen C0342788, MONDO:0008919, OMIM 212140.

Allele frequency attached by ClinVar (database versions not stated): gnomAD 0.00001; TOPMed 0.00002.
gnomAD v4.1: 23 of 1,603,708 alleles (0.0014%); highest among the groups gnomAD compares: Admixed American, 0.015%; no homozygotes.

Submissions (2):

Labcorp Genetics (formerly Invitae), Labcorp
Classification: Likely benign for Renal carnitine transport defect. Last evaluated: 2025-11-27. Review status: criteria provided, single submitter. Criteria: Invitae Variant Classification Sherloc (09022015). Collection method: clinical testing. Allele origin: germline.

GeneDx
Classification: Likely benign. Last evaluated: 2018-06-15. Review status: criteria provided, single submitter. Criteria: GeneDx Variant Classification (06012015). Collection method: clinical testing. Allele origin: germline. Affected: yes.
Comment: This variant is considered likely benign or benign based on one or more of the following criteria: it is a conservative change, it occurs at a poorly conserved position in the protein, it is predicted to be benign by multiple in silico algorithms, and/or has population frequency not consistent with disease.

NM_003060.4(SLC22A5):c.1267+14G>A

Gene: SLC22A5 (solute carrier family 22 member 5; plus strand). Cytogenetic location: 5q31.1.
Variant type: single nucleotide variant.
Coding change: c.1267+14G>A on transcript NM_003060.4 (MANE Select); 14 bases into the intron after coding-DNA position 1267, G replaced by A.
Molecular consequence: intron variant.
Genome position (GRCh38, 1-based): chr5:132,390,918, G>A. VCF-style: chr5-132390918-G-A. GRCh37 (hg19) VCF-style: chr5-131726610-G-A.
Other names: c.1339+14G>A (NM_001308122.2).
Identifiers: ClinVar variation 668663 (VCV000668663.8), dbSNP rs769114259, ClinGen allele CA3404109.